The following is an entry in ClinVar:

NM_001211.6(BUB1B):c.1466T>C (p.Ile489Thr)

Gene: BUB1B (BUB1 mitotic checkpoint serine/threonine kinase B; plus strand). Cytogenetic location: 15q15.1.
Variant type: single nucleotide variant.
Coding change: c.1466T>C on transcript NM_001211.6 (MANE Select); coding-DNA position 1466, T replaced by C.
Protein change: p.Ile489Thr; replaces isoleucine 489 with threonine.
Molecular consequence: missense variant.
Genome position (GRCh38, 1-based): chr15:40,200,308, T>C. VCF-style: chr15-40200308-T-C. GRCh37 (hg19) VCF-style: chr15-40492509-T-C.
Other names: short protein forms I489T.
Identifiers: ClinVar variation 2585911 (VCV002585911.2), dbSNP rs2037550187, ClinGen allele CA391689974.

ClinVar aggregate classification (germline): Uncertain significance (1 of 4 stars; one submission).

Conditions:
Inborn genetic diseases. Identifiers: MedGen C0950123, MeSH D030342.

Allele frequency attached by ClinVar (database versions not stated): gnomAD exomes below 0.00001.
gnomAD v4.1: 2 of 1,613,946 alleles (0.00012%); highest among the groups gnomAD compares: South Asian, 0.0022%; no homozygotes.

Submission:

Ambry Genetics
Classification: Uncertain significance for Inborn genetic diseases. Last evaluated: 2023-07-05. Review status: criteria provided, single submitter. Criteria: Ambry Variant Classification Scheme 2023. Collection method: clinical testing. Allele origin: germline.
Comment: The p.I489T variant (also known as c.1466T>C), located in coding exon 11 of the BUB1B gene, results from a T to C substitution at nucleotide position 1466. The isoleucine at codon 489 is replaced by threonine, an amino acid with similar properties. This amino acid position is conserved. In addition, this alteration is predicted to be tolerated by in silico analysis. Since supporting evidence is limited at this time, the clinical significance of this alteration remains unclear.